The following is an entry in ClinVar:

ClinVar aggregate classification (germline): Pathogenic (1 of 4 stars; one submission).

Submission:

Labcorp Genetics (formerly Invitae), Labcorp
Classification: Pathogenic. Last evaluated: 2023-01-11. Review status: criteria provided, single submitter. Criteria: Invitae Variant Classification Sherloc (09022015). Collection method: clinical testing. Allele origin: germline.
Comment: This sequence change affects a donor splice site in intron 2 of the MYO7A gene. It is expected to disrupt RNA splicing. Variants that disrupt the donor or acceptor splice site typically lead to a loss of protein function (PMID: 16199547), and loss-of-function variants in MYO7A are known to be pathogenic (PMID: 8900236, 25404053). This variant is not present in population databases (gnomAD no frequency). Disruption of this splice site has been observed in individuals with autosomal recessive deafness and/or Usher syndrome (PMID: 27068579, 32531858). Algorithms developed to predict the effect of sequence changes on RNA splicing suggest that this variant may disrupt the consensus splice site. For these reasons, this variant has been classified as Pathogenic.

Literature cited by the submitters: PubMed 16199547; PubMed 8900236; PubMed 25404053; PubMed 27068579; PubMed 32531858.

NM_000260.4(MYO7A):c.18+2T>C

Gene: MYO7A (myosin VIIA; plus strand). Cytogenetic location: 11q13.5.
Variant type: single nucleotide variant.
Coding change: c.18+2T>C on transcript NM_000260.4 (MANE Select); the canonical splice donor site of the intron after coding-DNA position 18, T replaced by C.
Molecular consequence: splice donor variant.
Genome position (GRCh38, 1-based): chr11:77,130,654, T>C. VCF-style: chr11-77130654-T-C. GRCh37 (hg19) VCF-style: chr11-76841700-T-C.
Other names: c.-96+2T>C (NM_001369365.1); c.18+2T>C (NM_001127180.2).
Identifiers: ClinVar variation 2827733 (VCV002827733.3), dbSNP rs564622720, ClinGen allele CA381946806.